The following is an entry in ClinVar:

NM_000245.4(MET):c.721T>G (p.Phe241Val)

Gene: MET (MET proto-oncogene, receptor tyrosine kinase; plus strand). Cytogenetic location: 7q31.2.
Variant type: single nucleotide variant.
Coding change: c.721T>G on transcript NM_000245.4 (MANE Select); coding-DNA position 721, T replaced by G.
Protein change: p.Phe241Val; replaces phenylalanine 241 with valine.
Molecular consequence: missense variant. On other transcripts: intron variant (1).
Genome position (GRCh38, 1-based): chr7:116,699,805, T>G. VCF-style: chr7-116699805-T-G. GRCh37 (hg19) VCF-style: chr7-116339859-T-G.
Other names: c.721T>G, p.Phe241Val (NM_001127500.3, NM_001324401.3); c.-91+27228T>G (NM_001324402.2); short protein forms F241V.
Identifiers: ClinVar variation 4843767 (VCV004843767.1).
Genomic context (GRCh38, chr7:116,699,805, plus strand): 5'-GAAACGAAAGATGGTTTTATGTTTTTGACGGACCAGTCCTACATTGATGTTTTACCTGAG[T>G]TCAGAGATTCTTACCCCATTAAGTATGTCCATGCCTTTGAAAGCAACAATTTTATTTACT-3'
Protein context (NP_000236.2, residues 231-251): DQSYIDVLPE[Phe241Val]RDSYPIKYVH

ClinVar aggregate classification (germline): Uncertain significance (1 of 4 stars; one submission).

Conditions:
Hereditary cancer-predisposing syndrome. Also called: Neoplastic Syndromes, Hereditary; Tumor predisposition; Hereditary Cancer Syndrome; Hereditary neoplastic syndrome. Identifiers: Orphanet 140162, MedGen C0027672, MeSH D009386, MONDO:0015356.

Submission:

Ambry Genetics
Classification: Uncertain significance for Hereditary cancer-predisposing syndrome. Last evaluated: 2026-01-03. Review status: criteria provided, single submitter. Criteria: Ambry Variant Classification Scheme 2023. Collection method: clinical testing. Allele origin: germline.
Comment: The p.F241V variant (also known as c.721T>G), located in coding exon 1 of the MET gene, results from a T to G substitution at nucleotide position 721. The phenylalanine at codon 241 is replaced by valine, an amino acid with highly similar properties. This amino acid position is conserved. In addition, this alteration is predicted to be tolerated by in silico analysis. Based on the available evidence, the clinical significance of this variant remains unclear.